The following is an entry in ClinVar:

NM_205836.3(FBXO38):c.2508_2513del (p.837SG[1])

Gene: FBXO38 (F-box protein 38; plus strand). Cytogenetic location: 5q32.
Variant type: Deletion.
Coding change: c.2508_2513del on transcript NM_205836.3 (MANE Select); coding-DNA positions 2508 to 2513, 6 bases deleted (GAGTGG; older notation c.2508_2513delGAGTGG).
Protein change: p.837SG[1].
Molecular consequence: inframe deletion. On other transcripts: intron variant (2).
Genome position (GRCh38, 1-based): chr5:148,427,802-148,427,807, GAGTGG deleted; deleting any 6 consecutive bases within chr5:148,427,799-148,427,807 gives the same sequence; the c. name uses the placement nearest the transcript's 3' end. VCF-style (leftmost placement, unchanged base first): chr5-148427798-ATGGGAG-A. GRCh37 (hg19) VCF-style: chr5-147807361-ATGGGAG-A.
Other names: c.2428+80_2428+85del (NM_030793.5); c.1918+2101_1918+2106del (NM_001271723.2); c.2508_2513delGAGTGG (NM_205836.3).
Identifiers: ClinVar variation 1792331 (VCV001792331.3), dbSNP rs201449897, ClinGen allele CA3497525.
Genomic context (GRCh38, chr5:148,427,798, plus strand): 5'-TTTCCTTTAGGACTCTGCCACAAGGGGGGTCTTCAGGCCCAGCACATGATGAGAGGACTA[ATGGGAG>A]TGGCTCTGGGGCTACAGGTGAGGACAGGAGGGGGAGCTCCCAGCCTGAGAGTTGTGACGT-3'

ClinVar aggregate classification (germline): Benign. Review status: criteria provided, multiple submitters, no conflicts (2 of 4 stars). 2 submissions from 2 submitters: Benign (2). Last evaluated 2023-05-04.

Conditions:
Neuronopathy, distal hereditary motor, type 2D. Also called: NEURONOPATHY, DISTAL HEREDITARY MOTOR, AUTOSOMAL DOMINANT 6; NEURONOPATHY, DISTAL HEREDITARY MOTOR, HARDING TYPE IID; NEUROPATHY, DISTAL HEREDITARY MOTOR, HARDING TYPE IID; HMN IID; SPINAL MUSCULAR ATROPHY, DISTAL, AUTOSOMAL DOMINANT, CALF-PREDOMINANT. Identifiers: Orphanet 139525, MedGen C3888271, MONDO:0014259, OMIM 615575.

Submissions (2):

Molecular Genetics, Royal Melbourne Hospital
Classification: Benign for Neuronopathy, distal hereditary motor, type 2D. Last evaluated: 2023-05-04. Review status: criteria provided, single submitter. Criteria: ACMG Guidelines, 2015. Collection method: clinical testing. Allele origin: germline. Affected: yes.
Comment: European Non-Finnish population allele frequency is 1.612% (rs201449897, 2081/126430 alleles, 19 homozygotes in gnomAD v2.1). Based on the classification scheme RMH Modified ACMG/AMP Guidelines v1.4.0, this variant is classified as BENIGN. Following criteria are met: BA1

Ambry Genetics
Classification: Benign. Last evaluated: 2019-10-16. Review status: criteria provided, single submitter. Criteria: Ambry Variant Classification Scheme 2023. Collection method: clinical testing. Allele origin: germline.